The following is an entry in ClinVar:

NM_001927.4(DES):c.638C>T (p.Ala213Val)

Gene: DES (desmin; plus strand). Cytogenetic location: 2q35.
Variant type: single nucleotide variant.
Coding change: c.638C>T on transcript NM_001927.4 (MANE Select); coding-DNA position 638, C replaced by T.
Protein change: p.Ala213Val; replaces alanine 213 with valine.
Molecular consequence: missense variant.
Genome position (GRCh38, 1-based): chr2:219,420,154, C>T. VCF-style: chr2-219420154-C-T. GRCh37 (hg19) VCF-style: chr2-220284876-C-T.
Other names: c.636+2C>T (NM_001382708.1); short protein forms A213V.
Identifiers: ClinVar variation 44265 (VCV000044265.58), dbSNP rs41272699, ClinGen allele CA133860.

ClinVar aggregate classification (germline): Conflicting classifications of pathogenicity. Review status: criteria provided, conflicting classifications (1 of 4 stars). 28 submissions from 26 submitters: Uncertain significance (1); Benign (13); Likely benign (6). 8 of the submissions do not count toward it. Last evaluated 2026-02-04.

Conditions:
Cardiovascular phenotype. Identifiers: MedGen CN230736.
Desmin-related myofibrillar myopathy (MFM1). Also called: Desminopathy; Desmin related myopathy (former name); Desmin storage myopathy (former name); MYOFIBRILLAR MYOPATHY WITH ARRHYTHMOGENIC RIGHT VENTRICULAR CARDIOMYOPATHY; DESMIN-RELATED MYOPATHY WITH ARRHYTHMOGENIC RIGHT VENTRICULAR CARDIOMYOPATHY; Myofibrillar myopathy 1. Identifiers: Orphanet 363543, Orphanet 98909, MedGen C1832370, MONDO:0011076, OMIM 601419.
Dilated cardiomyopathy 1I (CMD1I). Identifiers: Orphanet 154, MedGen C1858154, MONDO:0011482, OMIM 604765.
Neurogenic scapuloperoneal syndrome, Kaeser type (SCPNK). Also called: KAESER SYNDROME. Identifiers: Orphanet 85146, MedGen C1867005, MONDO:0008407, OMIM 181400.
Myofibrillar myopathy. Identifiers: Orphanet 593, MedGen C2678065, MONDO:0018943, HP:0003715.
Cardiomyopathy (CMYO). Also called: Cardiomyopathies. Identifiers: Orphanet 167848, MedGen C0878544, MONDO:0004994, HP:0001638. Inheritance: Various modes of inheritance.
Congenital diaphragmatic hernia. Also called: DIH; Congenital diaphragmatic defect; Unilateral agenesis of diaphragm; Agenesis of hemidiaphragm. Identifiers: Orphanet 2140, MedGen C0235833, MeSH D065630, MONDO:0005711, HP:0000776.

Allele frequency attached by ClinVar (database versions not stated): 1000 Genomes Project 30x 0.00547; gnomAD 0.01015 and 0.00984; TOPMed 0.00963; ExAC 0.01015; 1000 Genomes Project 0.00559; gnomAD exomes 0.00921; ESP Exome Variant Server 0.01053.
gnomAD v4.1: 22,813 of 1,614,216 alleles (1.4%); highest among the groups gnomAD compares: Non-Finnish European, 1.7%; 233 homozygotes.

Submissions 1 to 18 of 28:

Labcorp Genetics (formerly Invitae), Labcorp
Classification: Benign for Desmin-related myofibrillar myopathy. Last evaluated: 2026-02-04. Review status: criteria provided, single submitter. Criteria: Invitae Variant Classification Sherloc (09022015). Collection method: clinical testing. Allele origin: germline.

Molecular Diagnostic Laboratory for Inherited Cardiovascular Disease, Montreal Heart Institute
Classification: Likely benign. Last evaluated: 2025-04-09. Review status: criteria provided, single submitter. Criteria: ACMG Guidelines, 2015. Collection method: clinical testing. Allele origin: germline. Affected: no.

ARUP Laboratories, Molecular Genetics and Genomics, ARUP Laboratories
Classification: Benign. Last evaluated: 2025-03-12. Review status: criteria provided, single submitter. Criteria: ARUP Molecular Germline Variant Investigation Process 2024. Collection method: clinical testing. Allele origin: germline.

Blueprint Genetics
Classification: Benign. Last evaluated: 2024-11-26. Review status: criteria provided, single submitter. Criteria: ACMG Guidelines, 2015. Collection method: clinical testing. Allele origin: germline.

Mayo Clinic Laboratories, Mayo Clinic
Classification: Benign. Last evaluated: 2023-10-13. Review status: criteria provided, single submitter. Criteria: ACMG Guidelines, 2015. Collection method: clinical testing. Allele origin: germline. Observed: 63 variant alleles.
Comment: BS1, BS2

Department of Pathology and Laboratory Medicine, Sinai Health System
Classification: Benign for Neurogenic scapuloperoneal syndrome, Kaeser type; Desmin-related myofibrillar myopathy; Dilated cardiomyopathy 1I. Last evaluated: 2023-04-24. Review status: criteria provided, single submitter. Criteria: ACMG Guidelines, 2015. Collection method: research. Allele origin: germline.

Molecular Genetics, Royal Melbourne Hospital
Classification: Benign for Desmin-related myofibrillar myopathy. Last evaluated: 2023-03-30. Review status: criteria provided, single submitter. Criteria: ACMG Guidelines, 2015. Collection method: clinical testing. Allele origin: germline. Affected: no.
Comment: European (non-Finnish) population allele frequency is 1.5% (rs41272699, 1,953/129,178 alleles, 20 homozygotes in gnomAD v2.1). Based on the classification scheme RMH ACMG Guidelines v1.1.1, this variant is classified as Benign. Following criteria met: BA1

CHEO Genetics Diagnostic Laboratory, Children's Hospital of Eastern Ontario
Classification: Likely benign for Cardiomyopathy. Last evaluated: 2023-03-15. Review status: criteria provided, single submitter. Criteria: ACMG Guidelines, 2015. Collection method: clinical testing. Allele origin: germline.

Women's Health and Genetics/Laboratory Corporation of America, LabCorp
Classification: Benign. Last evaluated: 2018-09-03. Review status: criteria provided, single submitter. Criteria: LabCorp Variant Classification Summary - May 2015. Collection method: clinical testing. Allele origin: germline.
Comment: Variant summary: DES c.638C>T (p.Ala213Val) results in a non-conservative amino acid change located in the Intermediate filament, rod domain of the encoded protein sequence. Four of five in-silico tools predict a damaging effect of the variant on protein function. The variant allele was found at a frequency of 0.0094 in 278984 control chromosomes in the gnomAD database, including 28 homozygotes. The observed variant frequency is approximately 375 fold of the estimated maximal expected allele frequency for a pathogenic variant in DES causing Cardiomyopathy phenotype (2.5e-05), strongly suggesting that the variant is benign. c.638C>T has been reported in the literature in individuals affected with Cardiomyopathy as well as in controls. In one study, the variant failed to segregate with disease in a family, being found in 4 healthy individuals and was absent in 1 affected individual (Taylor_2007). In functional studies, cells expressing the variant showed normal complete filamentous network (Bar_2005, Goudeau_2006). Six clinical diagnostic laboratories have submitted clinical-significance assessments for this variant to ClinVar after 2014 without evidence for independent evaluation. Multiple laboratories reported the variant with conflicting assessments. Based on the evidence outlined above, the variant was classified as benign.

Athena Diagnostics
Classification: Likely benign. Last evaluated: 2017-08-01. Review status: criteria provided, single submitter. Criteria: Athena Diagnostics Criteria. Collection method: clinical testing. Allele origin: germline.

Illumina Laboratory Services, Illumina
Classification: Likely benign for Dilated cardiomyopathy 1I. Last evaluated: 2017-04-27. Review status: criteria provided, single submitter. Criteria: ICSL Variant Classification Criteria 13 December 2019. Collection method: clinical testing. Allele origin: germline.
Comment: This variant was observed as part of a predisposition screen in an ostensibly healthy population. A literature search was performed for the gene, cDNA change, and amino acid change (where applicable). Publications were found based on this search. The evidence from the literature, in combination with allele frequency data from public databases where available, was sufficient to determine this variant is unlikely to cause disease. Therefore, this variant is classified as likely benign.

Illumina Laboratory Services, Illumina
Classification: Likely benign for Neurogenic scapuloperoneal syndrome, Kaeser type. Last evaluated: 2017-04-27. Review status: criteria provided, single submitter. Criteria: ICSL Variant Classification Criteria 13 December 2019. Collection method: clinical testing. Allele origin: germline.
Comment: This variant was observed as part of a predisposition screen in an ostensibly healthy population. A literature search was performed for the gene, cDNA change, and amino acid change (where applicable). No publications were found based on this search. Allele frequency data from public databases allowed determination this variant is unlikely to cause disease. Therefore, this variant is classified as likely benign.

Illumina Laboratory Services, Illumina
Classification: Likely benign for Myofibrillar myopathy 1. Last evaluated: 2017-04-27. Review status: criteria provided, single submitter. Criteria: ICSL Variant Classification Criteria 13 December 2019. Collection method: clinical testing. Allele origin: germline.
Comment: the same text as in the submission from Illumina Laboratory Services, Illumina above.

Ambry Genetics
Classification: Benign for Cardiovascular phenotype. Last evaluated: 2015-09-15. Review status: criteria provided, single submitter. Criteria: Ambry Variant Classification Scheme 2023. Collection method: clinical testing. Allele origin: germline.

GeneDx
Classification: Benign. Last evaluated: 2015-03-03. Review status: criteria provided, single submitter. Criteria: GeneDx Variant Classification Process June 2021. Collection method: clinical testing. Allele origin: germline. Affected: yes.
Comment: This variant is associated with the following publications: (PMID: 33232181, 32105824, 22215463, 25736269, 17325244, 23861362, 20474083, 27618136, 22260945, 16865695, 21842594, 25617006, 23168288)

Lupski Lab, Baylor-Hopkins CMG, Baylor College of Medicine
Classification: Uncertain significance for Diaphragmatic hernia 1. Last evaluated: 2015-03-03. Review status: criteria provided, single submitter. Criteria: Beck et al. (Am J Med Genet A 2015). Collection method: research. Allele origin: germline. Inheritance: Autosomal dominant inheritance. Affected: yes and no. Observed: 3 variant alleles, 3 heterozygotes.
Comment: It is unclear whether these changes, alone or in aggregate, are contributing to the development of CDH in this family.

Biesecker Lab/Clinical Genomics Section, National Institutes of Health
Classification: Benign. Last evaluated: 2013-06-24. Review status: criteria provided, single submitter. Criteria: Ng et al. (Circ Cardiovasc Genet. 2013). Collection method: research. Allele origin: unknown. Observed: 22 variant alleles. Study: ClinSeq.
Comment: The study set was not selected for affection status in relation to any cancer. Pathogenicity categories were based on literature curation. See Pubmed ID:23861362 for details.

Medical sequencing

Eurofins Ntd Llc (ga)
Classification: Benign. Last evaluated: 2013-06-04. Review status: criteria provided, single submitter. Criteria: EGL Classification Definitions 2015. Collection method: clinical testing. Allele origin: germline. Observed: 2 variant alleles, 2 heterozygotes.